The following is an entry in ClinVar:

ClinVar aggregate classification (germline): Pathogenic (1 of 4 stars; one submission).

Conditions:
Duchenne muscular dystrophy (DMD). Also called: MUSCULAR DYSTROPHY, PSEUDOHYPERTROPHIC PROGRESSIVE, DUCHENNE TYPE; Duchenne Muscular Dystrophy (DMD). Identifiers: Orphanet 98896, MedGen C0013264, MONDO:0010679, OMIM 310200.

Submission:

Labcorp Genetics (formerly Invitae), Labcorp
Classification: Pathogenic for Duchenne muscular dystrophy. Last evaluated: 2018-10-30. Review status: criteria provided, single submitter. Criteria: Invitae Variant Classification Sherloc (09022015). Collection method: clinical testing. Allele origin: germline.
Comment: For these reasons, this variant has been classified as Pathogenic. Loss-of-function variants in DMD are known to be pathogenic (PMID: 16770791, 25007885). This variant has not been reported in the literature in individuals with DMD-related disease. This variant is an out-of-frame deletion of the genomic region encompassing exons 43-54 of the DMD gene. This is expected to create a premature translational stop signal and result in an absent or disrupted protein product.

Literature cited by the submitters: PubMed 16770791; PubMed 25007885.

NC_000023.11:g.(?_31657980)_(32287711_?)del

Genes: DMD (dystrophin; minus strand), LOC129391297 (MPRA-validated peak7374 silencer; plus strand), LOC129391296 (MPRA-validated peak7373 silencer; plus strand). Cytogenetic location: Xp21.1.
Variant type: Deletion.
Identifiers: ClinVar variation 644278 (VCV000644278.7).